The following is an entry in ClinVar:

NM_014324.6(AMACR):c.43del (p.Ala15fs)

Genes: AMACR (alpha-methylacyl-CoA racemase; minus strand), C1QTNF3-AMACR (C1QTNF3-AMACR readthrough (NMD candidate); minus strand). Cytogenetic location: 5p13.2.
Variant type: Deletion.
Coding change: c.43del on transcript NM_014324.6 (MANE Select); coding-DNA position 43, one base deleted (G; older notation c.43delG).
Protein change: p.Ala15fs; shifts the reading frame from alanine 15.
Molecular consequence: frameshift variant.
Genome position (GRCh38, 1-based): chr5:34,007,977, C deleted on the plus strand (G on the coding strand, the reverse complement: AMACR is on the minus strand); the first of 2 consecutive C bases (chr5:34,007,977-34,007,978); deleting either gives the same sequence. VCF-style (leftmost placement, unchanged base first): chr5-34007976-GC-G. GRCh37 (hg19) VCF-style: chr5-34008081-GC-G.
Other names: c.43del, p.Ala15fs (NM_001167595.2, NM_203382.3); short protein forms A15fs.
Identifiers: ClinVar variation 1963198 (VCV001963198.2), dbSNP rs972992645, ClinGen allele CA116872898.

ClinVar aggregate classification (germline): Uncertain significance (1 of 4 stars; one submission).

Conditions:
Alpha-methylacyl-CoA racemase deficiency (AMACRD). Also called: AMACR deficiency. Identifiers: Orphanet 79095, MedGen C3280428, MONDO:0013681, OMIM 614307. Disease mechanism: loss of function.

Submission:

Labcorp Genetics (formerly Invitae), Labcorp
Classification: Uncertain significance for Alpha-methylacyl-CoA racemase deficiency. Last evaluated: 2022-08-15. Review status: criteria provided, single submitter. Criteria: Invitae Variant Classification Sherloc (09022015). Collection method: clinical testing. Allele origin: germline.
Comment: This sequence change creates a premature translational stop signal (p.Ala15Profs*29) in the AMACR gene. It is expected to result in an absent or disrupted protein product. However, the current clinical and genetic evidence is not sufficient to establish whether loss-of-function variants in AMACR cause disease. This variant is present in population databases (no rsID available, gnomAD 0.001%). This premature translational stop signal has been observed in individual(s) with hepatic steatosis (PMID: 34440436). In summary, the available evidence is currently insufficient to determine the role of this variant in disease. Therefore, it has been classified as a Variant of Uncertain Significance.

Literature cited by the submitters: PubMed 34440436.